The following is an entry in ClinVar:

ClinVar aggregate classification (germline): Likely benign. Review status: criteria provided, multiple submitters, no conflicts (2 of 4 stars). 4 submissions from 4 submitters: Likely benign (3). 1 of the submissions does not count toward it. Last evaluated 2026-02-02.

Conditions:
EEF1A2-related disorder. Also called: EEF1A2-related condition; EEF1A2-related disorders.
Developmental and epileptic encephalopathy, 33 (DEE33). Also called: Epileptic encephalopathy, early infantile, 33. Identifiers: Orphanet 442835, MedGen C4225337, MONDO:0014625, OMIM 616409.

Allele frequency attached by ClinVar (database versions not stated): gnomAD 0.00001; TOPMed 0.00001.
gnomAD v4.1: 20 of 1,612,056 alleles (0.0012%); highest among the groups gnomAD compares: Non-Finnish European, 0.0015%; no homozygotes.

Submissions (4):

Labcorp Genetics (formerly Invitae), Labcorp
Classification: Likely benign for Developmental and epileptic encephalopathy, 33. Last evaluated: 2026-02-02. Review status: criteria provided, single submitter. Criteria: Invitae Variant Classification Sherloc (09022015). Collection method: clinical testing. Allele origin: germline.

Blueprint Genetics
Classification: Likely benign. Last evaluated: 2024-11-13. Review status: criteria provided, single submitter. Criteria: ACMG Guidelines, 2015. Collection method: clinical testing. Allele origin: germline.

GeneDx
Classification: Likely benign. Last evaluated: 2017-11-09. Review status: criteria provided, single submitter. Criteria: GeneDx Variant Classification (06012015). Collection method: clinical testing. Allele origin: germline. Affected: yes.
Comment: This variant is considered likely benign or benign based on one or more of the following criteria: it is a conservative change, it occurs at a poorly conserved position in the protein, it is predicted to be benign by multiple in silico algorithms, and/or has population frequency not consistent with disease.

PreventionGenetics, part of Exact Sciences
Classification: Likely benign for EEF1A2-related condition. Last evaluated: 2021-06-09. Review status: no assertion criteria provided. Collection method: clinical testing. Allele origin: germline. Not counted in ClinVar's aggregate classification.
Comment: This variant is classified as likely benign based on ACMG/AMP sequence variant interpretation guidelines (Richards et al. 2015 PMID: 25741868, with internal and published modifications).

NM_001958.5(EEF1A2):c.145-7G>T

Gene: EEF1A2 (eukaryotic translation elongation factor 1 alpha 2; minus strand). Cytogenetic location: 20q13.33.
Variant type: single nucleotide variant.
Coding change: c.145-7G>T on transcript NM_001958.5 (MANE Select); 7 bases into the intron before coding-DNA position 145, G replaced by T.
Molecular consequence: intron variant.
Genome position (GRCh38, 1-based): chr20:63,496,042, C>A on the plus strand (G>T on the coding strand, the complement: EEF1A2 is on the minus strand). VCF-style: chr20-63496042-C-A. GRCh37 (hg19) VCF-style: chr20-62127395-C-A.
Identifiers: ClinVar variation 513149 (VCV000513149.12), dbSNP rs536472004, ClinGen allele CA9959171.
Genomic context (GRCh38, chr20:63,496,042, plus strand): 5'-CTCCGCCTTCAGCTTGTCCAGCACCCAGGCATACTTGAAGGATCCCTTCCCCATCTGGAG[C>A]GGGTGAGGGTCACGGCTGAGGGCGGGACCCGGGACCCAGGAGTCCCTGGTGGTGCGAGCT-3'